The following is an entry in ClinVar:

NM_014263.4(YME1L1):c.168+1407C>G

Gene: YME1L1 (YME1 like 1 ATPase; minus strand). Cytogenetic location: 10p12.1.
Variant type: single nucleotide variant.
Coding change: c.168+1407C>G on transcript NM_014263.4 (MANE Select); 1407 bases into the intron after coding-DNA position 168, C replaced by G.
Molecular consequence: intron variant. On other transcripts: missense variant (1).
Genome position (GRCh38, 1-based): chr10:27,147,499, G>C on the plus strand (C>G on the coding strand, the complement: YME1L1 is on the minus strand). VCF-style: chr10-27147499-G-C. GRCh37 (hg19) VCF-style: chr10-27436428-G-C.
Other names: c.338C>G (NM_139312.1); c.338C>G, p.Pro113Arg (NM_139312.3); c.168+1407C>G (NM_001253866.2); short protein forms P113R.
Identifiers: ClinVar variation 2900397 (VCV002900397.4), dbSNP rs753432173, ClinGen allele CA5449701.
Genomic context (GRCh38, chr10:27,147,499, plus strand): 5'-AAGAACGATGGACAAAACAAATCATAGACAATAGGCATTTGGAGAAACCCGCAGTGTACA[G>C]GGATTGAGAGGGAGAAGGGTTCTGGACGGATGTGCCAGTTATCGGTTGTGTCCAAGCTCT-3'

ClinVar aggregate classification (germline): Uncertain significance. Review status: criteria provided, multiple submitters, no conflicts (2 of 4 stars). 2 submissions from 2 submitters: Uncertain significance (2). Last evaluated 2024-10-29.

Allele frequency attached by ClinVar (database versions not stated): gnomAD 0.00001.
gnomAD v4.1: 119 of 1,612,958 alleles (0.0074%); highest among the groups gnomAD compares: Non-Finnish European, 0.0098%; no homozygotes.

Submissions (2):

Ambry Genetics
Classification: Uncertain significance. Last evaluated: 2024-10-29. Review status: criteria provided, single submitter. Criteria: Ambry Variant Classification Scheme 2023. Collection method: clinical testing. Allele origin: germline.

Labcorp Genetics (formerly Invitae), Labcorp
Classification: Uncertain significance. Last evaluated: 2024-10-09. Review status: criteria provided, single submitter. Criteria: Invitae Variant Classification Sherloc (09022015). Collection method: clinical testing. Allele origin: germline.
Comment: This sequence change replaces proline, which is neutral and non-polar, with arginine, which is basic and polar, at codon 113 of the YME1L1 protein (p.Pro113Arg). This variant is present in population databases (rs753432173, gnomAD 0.002%). This variant has not been reported in the literature in individuals affected with YME1L1-related conditions. An algorithm developed to predict the effect of missense changes on protein structure and function (PolyPhen-2) suggests that this variant is likely to be tolerated. In summary, the available evidence is currently insufficient to determine the role of this variant in disease. Therefore, it has been classified as a Variant of Uncertain Significance.